The following is an entry in ClinVar:

NM_213655.5(WNK1):c.3324T>G (p.His1108Gln)

Gene: WNK1 (WNK lysine deficient protein kinase 1; plus strand). Cytogenetic location: 12p13.33.
Variant type: single nucleotide variant.
Coding change: c.3324T>G on transcript NM_213655.5 (MANE Plus Clinical); coding-DNA position 3324, T replaced by G.
Protein change: p.His1108Gln; replaces histidine 1108 with glutamine.
Molecular consequence: missense variant. On other transcripts: intron variant (2).
Genome position (GRCh38, 1-based): chr12:868,795, T>G. VCF-style: chr12-868795-T-G. GRCh37 (hg19) VCF-style: chr12-977961-T-G.
Other names: c.3069T>G, p.His1023Gln (NM_001184985.2); c.2140-2470T>G (NM_018979.4, NM_014823.3); short protein forms H1023Q, H1108Q.
Identifiers: ClinVar variation 3747866 (VCV003747866.2).

ClinVar aggregate classification (germline): Uncertain significance (1 of 4 stars; one submission).

Conditions:
Neuropathy, hereditary sensory and autonomic, type 2A (HSAN2A). Also called: ACROOSTEOLYSIS, GIACCAI TYPE; ACROOSTEOLYSIS, NEUROGENIC; MORVAN DISEASE; NEUROPATHY, CONGENITAL SENSORY; NEUROPATHY, HEREDITARY SENSORY RADICULAR, AUTOSOMAL RECESSIVE; NEUROPATHY, HEREDITARY SENSORY, TYPE IIA. Identifiers: Orphanet 970, MedGen C2752089, MONDO:0024309, OMIM 201300.
Pseudohypoaldosteronism type 2C (PHA2C). Also called: Pseudohypoaldosteronism Type IIC. Identifiers: Orphanet 757, Orphanet 88940, MedGen C1840391, MONDO:0013778, OMIM 614492.

gnomAD v4.1: 1 of 1,613,910 alleles (0.000062%); highest among the groups gnomAD compares: Admixed American, 0.0017%; no homozygotes.

Submission:

Labcorp Genetics (formerly Invitae), Labcorp
Classification: Uncertain significance for Neuropathy, hereditary sensory and autonomic, type 2A; Pseudohypoaldosteronism type 2C. Last evaluated: 2024-06-22. Review status: criteria provided, single submitter. Criteria: Invitae Variant Classification Sherloc (09022015). Collection method: clinical testing. Allele origin: germline.
Comment: This sequence change replaces histidine, which is basic and polar, with glutamine, which is neutral and polar, at codon 1108 of the WNK1 protein (p.His1108Gln). This variant is not present in population databases (gnomAD no frequency). This variant has not been reported in the literature in individuals affected with WNK1-related conditions. Advanced modeling of protein sequence and biophysical properties (such as structural, functional, and spatial information, amino acid conservation, physicochemical variation, residue mobility, and thermodynamic stability) performed at Invitae indicates that this missense variant is not expected to disrupt WNK1 protein function with a negative predictive value of 95%. In summary, the available evidence is currently insufficient to determine the role of this variant in disease. Therefore, it has been classified as a Variant of Uncertain Significance.